The following is an entry in ClinVar:

NM_001083619.3(GRIA2):c.70T>C (p.Ser24Pro)

Gene: GRIA2 (glutamate ionotropic receptor AMPA type subunit 2; plus strand). Cytogenetic location: 4q32.1.
Variant type: single nucleotide variant.
Coding change: c.70T>C on transcript NM_001083619.3 (MANE Select); coding-DNA position 70, T replaced by C.
Protein change: p.Ser24Pro; replaces serine 24 with proline.
Molecular consequence: missense variant. On other transcripts: intron variant (3).
Genome position (GRCh38, 1-based): chr4:157,221,112, T>C. VCF-style: chr4-157221112-T-C. GRCh37 (hg19) VCF-style: chr4-158142264-T-C.
Other names: c.70T>C, p.Ser24Pro (NM_000826.6); c.-53-555T>C (NM_001379000.3, NM_001379001.3); c.-54+387T>C (NM_001083620.3); short protein forms S24P.
Identifiers: ClinVar variation 2443436 (VCV002443436.1), dbSNP rs2530253543, ClinGen allele CA358643144.

ClinVar aggregate classification (germline): Uncertain significance (1 of 4 stars; one submission).

Submission:

GeneDx
Classification: Uncertain significance. Last evaluated: 2022-09-07. Review status: criteria provided, single submitter. Criteria: GeneDx Variant Classification Process June 2021. Collection method: clinical testing. Allele origin: germline. Affected: yes.
Comment: Not observed at significant frequency in large population cohorts (gnomAD); In silico analysis supports that this missense variant does not alter protein structure/function; Has not been previously published as pathogenic or benign to our knowledge